The following is an entry in ClinVar:

NM_002439.5(MSH3):c.820_842del (p.Cys274fs)

Gene: MSH3 (mutS homolog 3; plus strand). Cytogenetic location: 5q14.1.
Variant type: Deletion.
Coding change: c.820_842del on transcript NM_002439.5 (MANE Select); coding-DNA positions 820 to 842, 23 bases deleted (TGCCATTTAGATCACAACTTTAT).
Protein change: p.Cys274fs; shifts the reading frame from cysteine 274.
Molecular consequence: frameshift variant.
Genome position (GRCh38, 1-based): chr5:80,672,271-80,672,293, TGCCATTTAGATCACAACTTTAT deleted; deleting any 23 consecutive bases within chr5:80,672,266-80,672,293 gives the same sequence; the c. name uses the placement nearest the transcript's 3' end. VCF-style (leftmost placement, unchanged base first): chr5-80672265-ATTTATTGCCATTTAGATCACAAC-A. GRCh37 (hg19) VCF-style: chr5-79968084-ATTTATTGCCATTTAGATCACAAC-A.
Other names: short protein forms C274fs.
Identifiers: ClinVar variation 3773536 (VCV003773536.1).
Genomic context (GRCh38, chr5:80,672,265, plus strand): 5'-AATATAAATTTATTGATATTTTCTTTTTTCATTTTTTAGATTGCAGCCCGAGAGCTCAAT[ATTTATTGCCATTTAGATCACAAC>A]TTTATGACAGCAAGTATACCTACTCACAGACTGTTTGTTCATGTACGCCGCCTGGTGGCA-3'

ClinVar aggregate classification (germline): Pathogenic (1 of 4 stars; one submission).

Conditions:
Familial adenomatous polyposis 4 (FAP4). Also called: MSH3-related attenuated familial adenomatous polyposis. Identifiers: Orphanet 480536, MedGen C4310719, MONDO:0044300, OMIM 617100.

Submission:

Myriad Genetics, Inc.
Classification: Pathogenic for Familial adenomatous polyposis 4. Last evaluated: 2024-11-27. Review status: criteria provided, single submitter. Criteria: Myriad Autosomal Dominant, Autosomal Recessive and X-Linked Classification Criteria (2023). Collection method: clinical testing. Allele origin: unknown.
Comment: This variant is considered pathogenic. This variant creates a frameshift predicted to result in premature protein truncation.